The following is an entry in ClinVar:

NM_017841.4(SDHAF2):c.189A>G (p.Ile63Met)

Gene: SDHAF2 (succinate dehydrogenase complex assembly factor 2; plus strand). Cytogenetic location: 11q12.2.
Variant type: single nucleotide variant.
Coding change: c.189A>G on transcript NM_017841.4 (MANE Select); coding-DNA position 189, A replaced by G.
Protein change: p.Ile63Met; replaces isoleucine 63 with methionine.
Molecular consequence: missense variant.
Genome position (GRCh38, 1-based): chr11:61,437,777, A>G. VCF-style: chr11-61437777-A-G. GRCh37 (hg19) VCF-style: chr11-61205249-A-G.
Other names: short protein forms I63M.
Identifiers: ClinVar variation 4844174 (VCV004844174.1).
Genomic context (GRCh38, chr11:61,437,777, plus strand): 5'-CCAAAAGGACATGATTGAAATCCCTTTGCCTCCATGGCAGGAGAGAACTGATGAATCCAT[A>G]GAAACCAAAAGAGCCCGCCTGCTCTATGAGAGCAGAAAGAGGGGAATGTTGGAAAACTGC-3'
Protein context (NP_060311.1, residues 53-73): PPWQERTDES[Ile63Met]ETKRARLLYE

ClinVar aggregate classification (germline): Uncertain significance (1 of 4 stars; one submission).

Conditions:
Hereditary cancer-predisposing syndrome. Also called: Neoplastic Syndromes, Hereditary; Tumor predisposition; Hereditary Cancer Syndrome; Hereditary neoplastic syndrome. Identifiers: Orphanet 140162, MedGen C0027672, MeSH D009386, MONDO:0015356.

gnomAD v4.1: 1 of 1,614,192 alleles (0.000062%); highest among the groups gnomAD compares: Non-Finnish European, 0.000085%; no homozygotes.

Submission:

Ambry Genetics
Classification: Uncertain significance for Hereditary cancer-predisposing syndrome. Last evaluated: 2025-12-29. Review status: criteria provided, single submitter. Criteria: Ambry Variant Classification Scheme 2023. Collection method: clinical testing. Allele origin: germline.
Comment: The p.I63M variant (also known as c.189A>G), located in coding exon 2 of the SDHAF2 gene, results from an A to G substitution at nucleotide position 189. The isoleucine at codon 63 is replaced by methionine, an amino acid with highly similar properties. This amino acid position is conserved. In addition, this alteration is predicted to be tolerated by in silico analysis. Based on the available evidence, the clinical significance of this variant remains unclear.